The following is an entry in ClinVar:

NM_006277.3(ITSN2):c.469C>T (p.Pro157Ser)

Gene: ITSN2 (intersectin 2; minus strand). Cytogenetic location: 2p23.3.
Variant type: single nucleotide variant.
Coding change: c.469C>T on transcript NM_006277.3 (MANE Select); coding-DNA position 469, C replaced by T.
Protein change: p.Pro157Ser; replaces proline 157 with serine.
Molecular consequence: missense variant.
Genome position (GRCh38, 1-based): chr2:24,310,576, G>A on the plus strand (C>T on the coding strand, the complement: ITSN2 is on the minus strand). VCF-style: chr2-24310576-G-A. GRCh37 (hg19) VCF-style: chr2-24533445-G-A.
Other names: c.427C>T, p.Pro143Ser (NM_001348181.2, NM_001348184.2); c.469C>T, p.Pro157Ser (NM_001348182.2, NM_001348183.2, NM_001348185.2 and 3 more transcripts); short protein forms P157S, P143S.
Identifiers: ClinVar variation 3679777 (VCV003679777.2).
Genomic context (GRCh38, chr2:24,310,576, plus strand): 5'-GCTGAATGAGACTGGCGGTTCCATTTGGTAATGATGATGTGCTAACAGAAGGCACTAGGG[G>A]AGTGGGCATCATTAAGGGAGGAAGGTTGGTCCCTGAAGTCGCAGAAGACAATGATGTTAT-3'
Protein context (NP_006268.2, residues 147-167): TNLPPLMMPT[Pro157Ser]LVPSVSTSSL

ClinVar aggregate classification (germline): Uncertain significance (1 of 4 stars; one submission).

Submission:

Labcorp Genetics (formerly Invitae), Labcorp
Classification: Uncertain significance. Last evaluated: 2024-03-18. Review status: criteria provided, single submitter. Criteria: Invitae Variant Classification Sherloc (09022015). Collection method: clinical testing. Allele origin: germline.
Comment: This sequence change replaces proline, which is neutral and non-polar, with serine, which is neutral and polar, at codon 157 of the ITSN2 protein (p.Pro157Ser). This variant is present in population databases (no rsID available, gnomAD 0.006%). This variant has not been reported in the literature in individuals affected with ITSN2-related conditions. An algorithm developed to predict the effect of missense changes on protein structure and function (PolyPhen-2) suggests that this variant is likely to be disruptive. In summary, the available evidence is currently insufficient to determine the role of this variant in disease. Therefore, it has been classified as a Variant of Uncertain Significance.